The following is an entry in ClinVar:

NM_152383.5(DIS3L2):c.928G>A (p.Glu310Lys)

Gene: DIS3L2 (DIS3 like 3'-5' exoribonuclease 2; plus strand). Cytogenetic location: 2q37.1.
Variant type: single nucleotide variant.
Coding change: c.928G>A on transcript NM_152383.5 (MANE Select); coding-DNA position 928, G replaced by A.
Protein change: p.Glu310Lys; replaces glutamic acid 310 with lysine.
Molecular consequence: missense variant. On other transcripts: non-coding transcript variant (1).
Genome position (GRCh38, 1-based): chr2:232,136,697, G>A. VCF-style: chr2-232136697-G-A. GRCh37 (hg19) VCF-style: chr2-233001407-G-A.
Other names: c.928G>A, p.Glu310Lys (NM_001257281.2); short protein forms E310K.
Identifiers: ClinVar variation 577901 (VCV000577901.10), dbSNP rs1276016923, ClinGen allele CA351153901.

ClinVar aggregate classification (germline): Uncertain significance (1 of 4 stars; one submission).

Conditions:
Perlman syndrome (PRLMNS). Identifiers: Orphanet 2849, MedGen C0796113, MONDO:0009965, OMIM 267000.

Allele frequency attached by ClinVar (database versions not stated): gnomAD 0.00001; gnomAD exomes 0.00001 and 0.00003; TOPMed 0.00002.

Submission:

Labcorp Genetics (formerly Invitae), Labcorp
Classification: Uncertain significance for Perlman syndrome. Last evaluated: 2024-06-23. Review status: criteria provided, single submitter. Criteria: Invitae Variant Classification Sherloc (09022015). Collection method: clinical testing. Allele origin: germline.
Comment: This sequence change replaces glutamic acid, which is acidic and polar, with lysine, which is basic and polar, at codon 310 of the DIS3L2 protein (p.Glu310Lys). This variant is present in population databases (no rsID available, gnomAD 0.002%). This variant has not been reported in the literature in individuals affected with DIS3L2-related conditions. ClinVar contains an entry for this variant (Variation ID: 577901). Advanced modeling of protein sequence and biophysical properties (such as structural, functional, and spatial information, amino acid conservation, physicochemical variation, residue mobility, and thermodynamic stability) performed at Invitae indicates that this missense variant is not expected to disrupt DIS3L2 protein function with a negative predictive value of 80%. In summary, the available evidence is currently insufficient to determine the role of this variant in disease. Therefore, it has been classified as a Variant of Uncertain Significance.